The following is an entry in ClinVar:

ClinVar aggregate classification (germline): Pathogenic (1 of 4 stars; one submission).

Conditions:
Developmental and epileptic encephalopathy 94 (DEE94). Also called: CHD2-Related Neurodevelopmental Disorders; Epileptic encephalopathy, childhood-onset. Identifiers: Orphanet 1942, Orphanet 2382, MedGen C3809278, MONDO:0014150, OMIM 615369.

Submission:

Labcorp Genetics (formerly Invitae), Labcorp
Classification: Pathogenic for Developmental and epileptic encephalopathy 94. Last evaluated: 2023-07-26. Review status: criteria provided, single submitter. Criteria: Invitae Variant Classification Sherloc (09022015). Collection method: clinical testing. Allele origin: germline.
Comment: This sequence change creates a premature translational stop signal (p.Tyr913*) in the CHD2 gene. It is expected to result in an absent or disrupted protein product. Loss-of-function variants in CHD2 are known to be pathogenic (PMID: 23708187, 24207121). This variant is not present in population databases (gnomAD no frequency). This variant has not been reported in the literature in individuals affected with CHD2-related conditions. For these reasons, this variant has been classified as Pathogenic.

Literature cited by the submitters: PubMed 23708187; PubMed 24207121.

NM_001271.4(CHD2):c.2739C>A (p.Tyr913Ter)

Gene: CHD2 (chromodomain helicase DNA binding protein 2; plus strand). Cytogenetic location: 15q26.1.
Variant type: single nucleotide variant.
Coding change: c.2739C>A on transcript NM_001271.4 (MANE Select); coding-DNA position 2739, C replaced by A.
Protein change: p.Tyr913Ter; replaces tyrosine 913 with a stop codon.
Molecular consequence: nonsense.
Genome position (GRCh38, 1-based): chr15:92,979,146, C>A. VCF-style: chr15-92979146-C-A. GRCh37 (hg19) VCF-style: chr15-93522376-C-A.
Other names: short protein forms Y913*.
Identifiers: ClinVar variation 2717269 (VCV002717269.3), dbSNP rs2505545450, ClinGen allele CA393894025.
Genomic context (GRCh38, chr15:92,979,146, plus strand): 5'-GGGTTGGGGGGTGGTTCAGGCATAAGCATAACAGTTCCTTTTCCTACAGGTAAATATTTA[C>A]CGCTTAGTTACAAAGGGGACTGTGGAGGAGGAGATCATAGAACGGGCCAAAAAGAAGATG-3'